The following is an entry in ClinVar:

NM_004859.4(CLTC):c.1195C>T (p.Arg399Cys)

Gene: CLTC (clathrin heavy chain; plus strand). Cytogenetic location: 17q23.1.
Variant type: single nucleotide variant.
Coding change: c.1195C>T on transcript NM_004859.4 (MANE Select); coding-DNA position 1195, C replaced by T.
Protein change: p.Arg399Cys; replaces arginine 399 with cysteine.
Molecular consequence: missense variant.
Genome position (GRCh38, 1-based): chr17:59,661,470, C>T. VCF-style: chr17-59661470-C-T. GRCh37 (hg19) VCF-style: chr17-57738831-C-T.
Other names: c.1207C>T, p.Arg403Cys (NM_001288653.2); short protein forms R399C, R403C.
Identifiers: ClinVar variation 689651 (VCV000689651.8), dbSNP rs954500638, ClinGen allele CA292145281.

ClinVar aggregate classification (germline): Uncertain significance. Review status: criteria provided, multiple submitters, no conflicts (2 of 4 stars). 2 submissions from 2 submitters: Uncertain significance (2). Last evaluated 2021-07-22.

Conditions:
Intellectual developmental disorder, autosomal dominant 56. Also called: MENTAL RETARDATION, AUTOSOMAL DOMINANT 56; Intellectual disability, autosomal dominant 56. Identifiers: MedGen C4693389, MONDO:0030922, OMIM 617854.

Allele frequency attached by ClinVar (database versions not stated): gnomAD 0.00001; TOPMed 0.00002; gnomAD exomes below 0.00001.

Submissions (2):

Labcorp Genetics (formerly Invitae), Labcorp
Classification: Uncertain significance. Last evaluated: 2021-07-22. Review status: criteria provided, single submitter. Criteria: Invitae Variant Classification Sherloc (09022015). Collection method: clinical testing. Allele origin: germline.
Comment: ClinVar contains an entry for this variant (Variation ID: 689651). This variant has not been reported in the literature in individuals affected with CLTC-related conditions. This variant is not present in population databases (ExAC no frequency). This sequence change replaces arginine with cysteine at codon 403 of the CLTC protein (p.Arg403Cys). The arginine residue is moderately conserved and there is a large physicochemical difference between arginine and cysteine. In summary, the available evidence is currently insufficient to determine the role of this variant in disease. Therefore, it has been classified as a Variant of Uncertain Significance. Algorithms developed to predict the effect of missense changes on protein structure and function are either unavailable or do not agree on the potential impact of this missense change (SIFT: "Deleterious"; PolyPhen-2: "Not Available"; Align-GVGD: "Class C0").

HudsonAlpha Institute for Biotechnology
Classification: Uncertain significance for Intellectual developmental disorder, autosomal dominant 56. Last evaluated: 2018-10-23. Review status: criteria provided, single submitter. Criteria: ACMG Guidelines, 2015. Collection method: research. Allele origin: unknown. Observed: 1 variant allele. Study: HudsonAlpha-PGEN.